The following is an entry in ClinVar:

NM_014727.3(KMT2B):c.8044C>T (p.Arg2682Cys)

Gene: KMT2B (lysine methyltransferase 2B; plus strand). Cytogenetic location: 19q13.12.
Variant type: single nucleotide variant.
Coding change: c.8044C>T on transcript NM_014727.3 (MANE Select); coding-DNA position 8044, C replaced by T.
Protein change: p.Arg2682Cys; replaces arginine 2682 with cysteine.
Molecular consequence: missense variant.
Genome position (GRCh38, 1-based): chr19:35,738,453, C>T. VCF-style: chr19-35738453-C-T. GRCh37 (hg19) VCF-style: chr19-36229354-C-T.
Other names: short protein forms R2682C.
Identifiers: ClinVar variation 1703414 (VCV001703414.2), dbSNP rs1190330467, ClinGen allele CA405440787.

ClinVar aggregate classification (germline): Uncertain significance (1 of 4 stars; one submission).

Allele frequency attached by ClinVar (database versions not stated): gnomAD exomes below 0.00001; TOPMed below 0.00001; gnomAD 0.00001.
gnomAD v4.1: 2 of 1,613,972 alleles (0.00012%); highest among the groups gnomAD compares: African/African-American, 0.0013%; no homozygotes.

Submission:

GeneDx
Classification: Uncertain significance. Last evaluated: 2022-02-24. Review status: criteria provided, single submitter. Criteria: GeneDx Variant Classification Process June 2021. Collection method: clinical testing. Allele origin: germline. Affected: yes.
Comment: Not observed at significant frequency in large population cohorts (gnomAD); In silico analysis supports that this missense variant has a deleterious effect on protein structure/function; Has not been previously published as pathogenic or benign to our knowledge